The following is an entry in ClinVar:

ClinVar aggregate classification (germline): Conflicting classifications of pathogenicity. Review status: criteria provided, conflicting classifications (1 of 4 stars). 3 submissions from 3 submitters: Likely pathogenic (2); Uncertain significance (1). Last evaluated 2026-03-10.

Conditions:
Cardiovascular phenotype. Identifiers: MedGen CN230736.
Myofibrillar myopathy 5. Also called: Filaminopathy (type); FILAMINOPATHY, AUTOSOMAL DOMINANT. Identifiers: Orphanet 171445, MedGen C1836050, MONDO:0012289, OMIM 609524.
Distal myopathy with posterior leg and anterior hand involvement. Also called: WILLIAMS DISTAL MYOPATHY. Identifiers: Orphanet 63273, MedGen C3279722, MONDO:0013550, OMIM 614065.
Hypertrophic cardiomyopathy 26. Also called: Cardiomyopathy, familial hypertrophic, 26. Identifiers: Orphanet 75249, MedGen C4310749, MONDO:0014883, OMIM 617047.

Submissions (3):

GeneDx
Classification: Likely pathogenic. Last evaluated: 2026-03-10. Review status: criteria provided, single submitter. Criteria: GeneDx Variant Classification Process June 2021. Collection method: clinical testing. Allele origin: germline.
Comment: Canonical splice site variant predicted to result in an in-frame loss of the adjacent exon in a gene for which loss of function is a known mechanism of disease; Not observed at significant frequency in large population cohorts (gnomAD); Has not been previously published as pathogenic or benign to our knowledge; This variant is associated with the following publications: (PMID: 27908349)

Ambry Genetics
Classification: Uncertain significance for Cardiovascular phenotype. Last evaluated: 2024-06-12. Review status: criteria provided, single submitter. Criteria: Ambry Variant Classification Scheme 2023. Collection method: clinical testing. Allele origin: germline.
Comment: The c.5842+1G>A intronic variant results from a G to A substitution one nucleotide after coding exon 35 of the FLNC gene. Alterations that disrupt the canonical splice site are expected to result in aberrant splicing. In silico splice site analysis predicts that this alteration will weaken the native splice donor site and will result in the creation or strengthening of a novel splice donor site. The resulting transcript is predicted to be in-frame and is not expected to trigger nonsense-mediated mRNAdecay; however, direct evidence is unavailable. The exact functional effect of the altered amino acid sequence is unknown. This nucleotide position is highly conserved in available vertebrate species. Based on the available evidence, the clinical significance of this variant remains unclear.

Labcorp Genetics (formerly Invitae), Labcorp
Classification: Likely pathogenic for Distal myopathy with posterior leg and anterior hand involvement; Myofibrillar myopathy 5; Hypertrophic cardiomyopathy 26. Last evaluated: 2022-07-30. Review status: criteria provided, single submitter. Criteria: Invitae Variant Classification Sherloc (09022015). Collection method: clinical testing. Allele origin: germline.
Comment: ClinVar contains an entry for this variant (Variation ID: 1487519). Algorithms developed to predict the effect of sequence changes on RNA splicing suggest that this variant may disrupt the consensus splice site. This sequence change affects a donor splice site in intron 35 of the FLNC gene. It is expected to disrupt RNA splicing. Variants that disrupt the donor or acceptor splice site typically lead to a loss of protein function (PMID: 16199547), and loss-of-function variants in FLNC are known to be pathogenic (PMID: 27908349). This variant is not present in population databases (gnomAD no frequency). This variant has not been reported in the literature in individuals affected with FLNC-related conditions. In summary, the currently available evidence indicates that the variant is pathogenic, but additional data are needed to prove that conclusively. Therefore, this variant has been classified as Likely Pathogenic.

Literature cited by the submitters: PubMed 16199547 (cited by Labcorp Genetics (formerly Invitae), Labcorp); PubMed 27908349 (cited by Labcorp Genetics (formerly Invitae), Labcorp).

NM_001458.5(FLNC):c.5842+1G>A

Genes: FLNC-AS1 (FLNC antisense RNA 1; minus strand), FLNC (filamin C; plus strand). Cytogenetic location: 7q32.1.
Variant type: single nucleotide variant.
Coding change: c.5842+1G>A on transcript NM_001458.5 (MANE Select); the canonical splice donor site of the intron after coding-DNA position 5842, G replaced by A.
Molecular consequence: splice donor variant.
Genome position (GRCh38, 1-based): chr7:128,851,629, G>A. VCF-style: chr7-128851629-G-A. GRCh37 (hg19) VCF-style: chr7-128491683-G-A.
Other names: c.5743+1G>A (NM_001127487.2); c.5842+1G>A (NM_001458.4).
Identifiers: ClinVar variation 1487519 (VCV001487519.10), dbSNP rs2128938502, ClinGen allele CA369208690.